The following is an entry in ClinVar:

ClinVar aggregate classification (germline): Uncertain significance (1 of 4 stars; one submission).

gnomAD v4.1: 2 of 1,614,042 alleles (0.00012%); highest among the groups gnomAD compares: Admixed American, 0.0017%; no homozygotes.

Submission:

Labcorp Genetics (formerly Invitae), Labcorp
Classification: Uncertain significance. Last evaluated: 2025-03-12. Review status: criteria provided, single submitter. Criteria: Invitae Variant Classification Sherloc (09022015). Collection method: clinical testing. Allele origin: germline.
Comment: This sequence change replaces proline, which is neutral and non-polar, with leucine, which is neutral and non-polar, at codon 2358 of the VCAN protein (p.Pro2358Leu). This variant is present in population databases (no rsID available, gnomAD 0.0009%). This variant has not been reported in the literature in individuals affected with VCAN-related conditions. An algorithm developed to predict the effect of missense changes on protein structure and function (PolyPhen-2) suggests that this variant is likely to be tolerated. In summary, the available evidence is currently insufficient to determine the role of this variant in disease. Therefore, it has been classified as a Variant of Uncertain Significance.

NM_004385.5(VCAN):c.7073C>T (p.Pro2358Leu)

Genes: VCAN (versican; plus strand), VCAN-AS1 (VCAN antisense RNA 1; minus strand). Cytogenetic location: 5q14.3.
Variant type: single nucleotide variant.
Coding change: c.7073C>T on transcript NM_004385.5 (MANE Select); coding-DNA position 7073, C replaced by T.
Protein change: p.Pro2358Leu; replaces proline 2358 with leucine.
Molecular consequence: missense variant. On other transcripts: intron variant (2).
Genome position (GRCh38, 1-based): chr5:83,540,076, C>T. VCF-style: chr5-83540076-C-T. GRCh37 (hg19) VCF-style: chr5-82835895-C-T.
Other names: c.4112C>T, p.Pro1371Leu (NM_001164097.2); c.4004-5461C>T (NM_001164098.2); c.1043-5461C>T (NM_001126336.3); short protein forms P1371L, P2358L.
Identifiers: ClinVar variation 4697111 (VCV004697111.1).